The following is an entry in ClinVar:

ClinVar aggregate classification (germline): Conflicting classifications of pathogenicity. Review status: criteria provided, conflicting classifications (1 of 4 stars). 3 submissions from 3 submitters: Uncertain significance (2); Benign (1). Last evaluated 2023-10-19.

Allele frequency attached by ClinVar (database versions not stated): gnomAD exomes below 0.00001 and 0.00001; ExAC 0.00001; gnomAD 0.00001.
gnomAD v4.1: 5 of 1,613,714 alleles (0.00031%); highest among the groups gnomAD compares: African/African-American, 0.0027%; no homozygotes.

Submissions (3):

GeneDx
Classification: Uncertain significance. Last evaluated: 2023-10-19. Review status: criteria provided, single submitter. Criteria: GeneDx Variant Classification Process June 2021. Collection method: clinical testing. Allele origin: germline. Affected: yes.
Comment: In silico analysis supports that this missense variant has a deleterious effect on protein structure/function; Has not been previously published as pathogenic or benign to our knowledge

Labcorp Genetics (formerly Invitae), Labcorp
Classification: Benign. Last evaluated: 2022-08-31. Review status: criteria provided, single submitter. Criteria: Invitae Variant Classification Sherloc (09022015). Collection method: clinical testing. Allele origin: germline.

Blueprint Genetics
Classification: Uncertain significance. Last evaluated: 2021-12-07. Review status: criteria provided, single submitter. Criteria: ACMG Guidelines, 2015. Collection method: clinical testing. Allele origin: germline.

NM_001844.5(COL2A1):c.1819C>T (p.Pro607Ser)

Gene: COL2A1 (collagen type II alpha 1 chain; minus strand). Cytogenetic location: 12q13.11.
Variant type: single nucleotide variant.
Coding change: c.1819C>T on transcript NM_001844.5 (MANE Select); coding-DNA position 1819, C replaced by T.
Protein change: p.Pro607Ser; replaces proline 607 with serine.
Molecular consequence: missense variant.
Genome position (GRCh38, 1-based): chr12:47,985,009, G>A on the plus strand (C>T on the coding strand, the complement: COL2A1 is on the minus strand). VCF-style: chr12-47985009-G-A. GRCh37 (hg19) VCF-style: chr12-48378792-G-A.
Other names: c.1612C>T, p.Pro538Ser (NM_033150.3); c.1819C>T (NM_001844.4); short protein forms P538S, P607S.
Identifiers: ClinVar variation 1462345 (VCV001462345.10), dbSNP rs763003390, ClinGen allele CA6535374.